The following is an entry in ClinVar:

ClinVar aggregate classification (germline): Uncertain significance (1 of 4 stars; one submission).

Submission:

GeneDx
Classification: Uncertain significance. Last evaluated: 2026-01-15. Review status: criteria provided, single submitter. Criteria: GeneDx Variant Classification Process June 2021. Collection method: clinical testing. Allele origin: germline.
Comment: Not observed at significant frequency in large population cohorts (gnomAD); In silico analysis supports that this missense variant has a deleterious effect on protein structure/function; Has not been previously published as pathogenic or benign to our knowledge

NM_003482.4(KMT2D):c.3895C>G (p.Arg1299Gly)

Genes: KMT2D (lysine methyltransferase 2D; minus strand), LOC126861520 (CDK7 strongly-dependent group 2 enhancer GRCh37_chr12:49442744-49443943; plus strand). Cytogenetic location: 12q13.12.
Variant type: single nucleotide variant.
Coding change: c.3895C>G on transcript NM_003482.4 (MANE Select); coding-DNA position 3895, C replaced by G.
Protein change: p.Arg1299Gly; replaces arginine 1299 with glycine.
Molecular consequence: missense variant.
Genome position (GRCh38, 1-based): chr12:49,049,693, G>C on the plus strand (C>G on the coding strand, the complement: KMT2D is on the minus strand). VCF-style: chr12-49049693-G-C. GRCh37 (hg19) VCF-style: chr12-49443476-G-C.
Other names: short protein forms R1299G.
Identifiers: ClinVar variation 3903201 (VCV003903201.2).
Genomic context (GRCh38, chr12:49,049,693, plus strand): 5'-TGACAGTGGGCTAACTCTAATCACATCCCGCAGCTAGATAGCCCCTCACCTGTTTGATGC[G>C]GGAACGGGCTGGGGAGCTGCGCCGCCGCCCCTTCTCCCCCTCAGCTTTGCCTCCGCTGAT-3'
Protein context (NP_003473.3, residues 1289-1309): GRRRSSPARS[Arg1299Gly]IKQGRSSSFP